The following is an entry in ClinVar:

NM_001377540.1(SLMAP):c.*94C>G

Gene: SLMAP (sarcolemma associated protein; plus strand). Cytogenetic location: 3p14.3.
Variant type: single nucleotide variant.
Coding change: c.*94C>G on transcript NM_001377540.1 (MANE Select); 94 bases downstream of the stop codon, C replaced by G.
Molecular consequence: 3 prime UTR variant. On other transcripts: missense variant (10), non-coding transcript variant (1).
Genome position (GRCh38, 1-based): chr3:57,927,383, C>G. VCF-style: chr3-57927383-C-G. GRCh37 (hg19) VCF-style: chr3-57913110-C-G.
Other names: c.*94C>G (NM_001377541.1, NM_001377542.1, NM_001377545.1 and 12 more transcripts); c.2419C>G, p.Pro807Ala (NM_001377551.1); c.2368C>G, p.Pro790Ala (NM_001377557.1, NM_001304421.2); c.2482C>G, p.Pro828Ala (NM_001304420.3); c.1084C>G, p.Pro362Ala (NM_001304422.3); c.886C>G, p.Pro296Ala (NM_001304423.3); c.2554C>G, p.Pro852Ala (NM_001377538.1); c.2533C>G, p.Pro845Ala (NM_001377539.1); and 2 more; short protein forms P362A, P807A, P811A, P845A, P852A, P321A, P790A, P296A.
Identifiers: ClinVar variation 2999849 (VCV002999849.3), dbSNP rs986787316, ClinGen allele CA75414500.
Genomic context (GRCh38, chr3:57,927,383, plus strand): 5'-GCTGCCCTGGTTGCAGTAACAGCCATCGTGCTGTACGTGCCAGGTCTGGCCAGAGCTTCT[C>G]CATGAGAGCGTTCCTTGAGTCCGTACACCGTCCTCCCTCTAGAAGCTGGCATCACACTCA-3'

ClinVar aggregate classification (germline): Uncertain significance (1 of 4 stars; one submission).

Conditions:
Brugada syndrome. Also called: Sudden unexpected nocturnal death syndrome; Sudden unexplained nocturnal death syndrome; Sudden Unexplained Death Syndrome; Sudden Unexplained Nocturnal Death Syndrome (SUNDS). Identifiers: Orphanet 130, MedGen C1142166, MONDO:0015263.

Allele frequency attached by ClinVar (database versions not stated): gnomAD exomes below 0.00001; gnomAD 0.00001; TOPMed 0.00003.
gnomAD v4.1: 6 of 1,572,710 alleles (0.00038%); highest among the groups gnomAD compares: Non-Finnish European, 0.00052%; no homozygotes.

Submission:

Labcorp Genetics (formerly Invitae), Labcorp
Classification: Uncertain significance for Brugada syndrome. Last evaluated: 2024-09-08. Review status: criteria provided, single submitter. Criteria: Invitae Variant Classification Sherloc (09022015). Collection method: clinical testing. Allele origin: germline.
Comment: This sequence change replaces proline, which is neutral and non-polar, with alanine, which is neutral and non-polar, at codon 811 of the SLMAP protein (p.Pro811Ala). This variant is not present in population databases (gnomAD no frequency). This variant has not been reported in the literature in individuals affected with SLMAP-related conditions. An algorithm developed to predict the effect of missense changes on protein structure and function (PolyPhen-2) suggests that this variant is likely to be disruptive. In summary, the available evidence is currently insufficient to determine the role of this variant in disease. Therefore, it has been classified as a Variant of Uncertain Significance.